The following is an entry in ClinVar:

ClinVar aggregate classification (germline): Uncertain significance (1 of 4 stars; one submission).

Conditions:
Cardiovascular phenotype. Identifiers: MedGen CN230736.

gnomAD v4.1: 1 of 1,613,836 alleles (0.000062%); highest among the groups gnomAD compares: South Asian, 0.0011%; no homozygotes.

Submission:

Ambry Genetics
Classification: Uncertain significance for Cardiovascular phenotype. Last evaluated: 2026-02-24. Review status: criteria provided, single submitter. Criteria: Ambry Variant Classification Scheme 2023. Collection method: clinical testing. Allele origin: germline.
Comment: The p.S403C variant (also known as c.1208C>G), located in coding exon 8 of the CBL gene, results from a C to G substitution at nucleotide position 1208. The serine at codon 403 is replaced by cysteine, an amino acid with dissimilar properties. This amino acid position is conserved. In addition, this alteration is predicted to be deleterious by in silico analysis. Based on the available evidence, the clinical significance of this variant remains unclear.

NM_005188.4(CBL):c.1208C>G (p.Ser403Cys)

Gene: CBL (Cbl proto-oncogene; plus strand). Cytogenetic location: 11q23.3.
Variant type: single nucleotide variant.
Coding change: c.1208C>G on transcript NM_005188.4 (MANE Select); coding-DNA position 1208, C replaced by G.
Protein change: p.Ser403Cys; replaces serine 403 with cysteine.
Molecular consequence: missense variant.
Genome position (GRCh38, 1-based): chr11:119,278,278, C>G. VCF-style: chr11-119278278-C-G. GRCh37 (hg19) VCF-style: chr11-119148988-C-G.
Other names: short protein forms S403C.
Identifiers: ClinVar variation 4827361 (VCV004827361.1).